The following is an entry in ClinVar:

ClinVar aggregate classification (germline): Likely benign. Review status: criteria provided, multiple submitters, no conflicts (2 of 4 stars). 2 submissions from 2 submitters: Likely benign (2). Last evaluated 2025-08-28.

Conditions:
Birt-Hogg-Dube syndrome. Also called: Birt Hogg Dubé syndrome. Identifiers: Orphanet 122, MedGen C0346010, MONDO:0800444.
Birt-Hogg-Dube syndrome 1 (BHD1). Also called: FIBROFOLLICULOMAS WITH TRICHODISCOMAS AND ACROCHORDONS. Identifiers: Orphanet 122, MedGen CN375946, MONDO:0800445, OMIM 135150.

Allele frequency attached by ClinVar (database versions not stated): gnomAD exomes below 0.00001; TOPMed below 0.00001; ExAC 0.00001; gnomAD 0.00001.

Submissions (2):

Labcorp Genetics (formerly Invitae), Labcorp
Classification: Likely benign for Birt-Hogg-Dube syndrome. Last evaluated: 2025-08-28. Review status: criteria provided, single submitter. Criteria: Invitae Variant Classification Sherloc (09022015). Collection method: clinical testing. Allele origin: germline.

Myriad Genetics, Inc.
Classification: Likely benign for Birt-Hogg-Dube syndrome 1. Last evaluated: 2024-10-25. Review status: criteria provided, single submitter. Criteria: Myriad Autosomal Dominant, Autosomal Recessive and X-Linked Classification Criteria (2023). Collection method: clinical testing. Allele origin: unknown.
Comment: This variant is considered likely benign. This variant is intronic and is not expected to impact mRNA splicing.

NM_144997.7(FLCN):c.1433-12C>T

Gene: FLCN (folliculin; minus strand). Cytogenetic location: 17p11.2.
Variant type: single nucleotide variant.
Coding change: c.1433-12C>T on transcript NM_144997.7 (MANE Select); 12 bases into the intron before coding-DNA position 1433, C replaced by T.
Molecular consequence: intron variant.
Genome position (GRCh38, 1-based): chr17:17,215,102, G>A on the plus strand (C>T on the coding strand, the complement: FLCN is on the minus strand). VCF-style: chr17-17215102-G-A. GRCh37 (hg19) VCF-style: chr17-17118416-G-A.
Other names: c.1433-12C>T (NM_001353231.2, NM_001353230.2); c.1487-12C>T (NM_001353229.2).
Identifiers: ClinVar variation 2724689 (VCV002724689.4), dbSNP rs772808150, ClinGen allele CA8415965.
Genomic context (GRCh38, chr17:17,215,102, plus strand): 5'-TTCTGGTTGGTCAGAGCCGCTTCAATCTTATTCAGGATGGTGGGGCCCACTGGGGAGAAG[G>A]GCAGGGGCAGAGCAAGGGCAGGCGTTAGCGCGGGGCGGGGGCATCTTCTCACAAAAAGGA-3'